The following is an entry in ClinVar:

ClinVar aggregate classification (germline): Conflicting classifications of pathogenicity. Review status: criteria provided, conflicting classifications (1 of 4 stars). 2 submissions from 2 submitters: Uncertain significance (1); Likely benign (1). Last evaluated 2022-02-24.

Conditions:
Mowat-Wilson syndrome (MOWS). Also called: Classic Mowat-Wilson Syndrome. Identifiers: Orphanet 2152, MedGen C1856113, MONDO:0009341, OMIM 235730.

Submissions (2):

Department of Pathology and Laboratory Medicine, Sinai Health System
Classification: Uncertain significance for Mowat-Wilson syndrome. Last evaluated: 2022-02-24. Review status: criteria provided, single submitter. Criteria: ACMG Guidelines, 2015. Collection method: research. Allele origin: germline.

GeneDx
Classification: Likely benign. Last evaluated: 2014-06-20. Review status: criteria provided, single submitter. Criteria: GeneDx Variant Classification (06012015). Collection method: clinical testing. Allele origin: germline. Affected: yes.
Comment: This variant is considered likely benign or benign based on one or more of the following criteria: it is a conservative change, it occurs at a poorly conserved position in the protein, it is predicted to be benign by multiple in silico algorithms, and/or has population frequency not consistent with disease.

NM_014795.4(ZEB2):c.1048A>G (p.Thr350Ala)

Gene: ZEB2 (zinc finger E-box binding homeobox 2; minus strand). Cytogenetic location: 2q22.3.
Variant type: single nucleotide variant.
Coding change: c.1048A>G on transcript NM_014795.4 (MANE Select); coding-DNA position 1048, A replaced by G.
Protein change: p.Thr350Ala; replaces threonine 350 with alanine.
Molecular consequence: missense variant.
Genome position (GRCh38, 1-based): chr2:144,400,139, T>C on the plus strand (A>G on the coding strand, the complement: ZEB2 is on the minus strand). VCF-style: chr2-144400139-T-C. GRCh37 (hg19) VCF-style: chr2-145157706-T-C.
Other names: p.T350A:ACG>GCG; c.976A>G, p.Thr326Ala (NM_001171653.2); short protein forms T350A, T326A.
Identifiers: ClinVar variation 181710 (VCV000181710.2), dbSNP rs730881175, ClinGen allele CA297558.